The following is an entry in ClinVar:

NM_002474.3(MYH11):c.502+5G>C

Gene: MYH11 (myosin heavy chain 11; minus strand). Cytogenetic location: 16p13.11.
Variant type: single nucleotide variant.
Coding change: c.502+5G>C on transcript NM_002474.3 (MANE Select); 5 bases into the intron after coding-DNA position 502, G replaced by C.
Molecular consequence: intron variant.
Genome position (GRCh38, 1-based): chr16:15,823,250, C>G on the plus strand (G>C on the coding strand, the complement: MYH11 is on the minus strand). VCF-style: chr16-15823250-C-G. GRCh37 (hg19) VCF-style: chr16-15917107-C-G.
Other names: c.502+5G>C (NM_022844.3, NM_001040114.2, NM_001040113.2).
Identifiers: ClinVar variation 1332554 (VCV001332554.5), dbSNP rs376531977, ClinGen allele CA278622923.

ClinVar aggregate classification (germline): Uncertain significance. Review status: criteria provided, multiple submitters, no conflicts (2 of 4 stars). 2 submissions from 2 submitters: Uncertain significance (2). Last evaluated 2023-12-18.

Conditions:
Familial thoracic aortic aneurysm and aortic dissection (TAAD). Also called: Thoracic aortic aneurysms and dissections. Identifiers: Orphanet 91387, MedGen C4707243, MONDO:0019625.

Allele frequency attached by ClinVar (database versions not stated): TOPMed below 0.00001; ESP Exome Variant Server 0.00008.

Submissions (2):

All of Us Research Program, National Institutes of Health
Classification: Uncertain significance for Familial thoracic aortic aneurysm and aortic dissection. Last evaluated: 2023-12-18. Review status: criteria provided, single submitter. Criteria: ACMG Guidelines, 2015. Collection method: clinical testing. Allele origin: germline. Inheritance: Autosomal dominant inheritance. Observed: 1 variant allele, 1 heterozygote.
Comment: This variant causes a G to C nucleotide substitution at the +5 position of intron 3 of the MYH11 gene. Splice site prediction tools predict that this variant may have a significant impact on RNA splicing. To our knowledge, functional studies have not been reported for this variant. This variant has not been reported in individuals affected with cardiovascular disorders in the literature. This variant has not been identified in the general population by the Genome Aggregation Database (gnomAD). The available evidence is insufficient to determine the role of this variant in disease conclusively. Therefore, this variant is classified as a Variant of Uncertain Significance.

This study involves interpretation of variants in research participants for the purpose of population health screening. Participant phenotype was not available at the time of variant classification. Additional details can be found in publication PMID: 35346344, PMCID: PMC8962531

Color Diagnostics, LLC DBA Color Health
Classification: Uncertain significance for Familial thoracic aortic aneurysm and aortic dissection. Last evaluated: 2023-11-27. Review status: criteria provided, single submitter. Criteria: ACMG Guidelines, 2015. Collection method: clinical testing. Allele origin: germline.
Comment: This variant causes a G to C nucleotide substitution at the +5 position of intron 3 of the MYH11 gene. Splice site prediction tools predict that this variant may have a significant impact on RNA splicing. To our knowledge, functional studies have not been reported for this variant. This variant has not been reported in individuals affected with cardiovascular disorders in the literature. This variant has not been identified in the general population by the Genome Aggregation Database (gnomAD). The available evidence is insufficient to determine the role of this variant in disease conclusively. Therefore, this variant is classified as a Variant of Uncertain Significance.